The following is an entry in ClinVar:

ClinVar aggregate classification (germline): Pathogenic (1 of 4 stars; one submission).

Conditions:
Fructose-biphosphatase deficiency (FBP1D). Also called: Fructose-1,6-Diphosphatase Deficiency; Fructose 1,6 Bisphosphatase Deficiency; Fructose-1,6-Bisphosphatase 1 Deficiency. Identifiers: Orphanet 348, MedGen C0016756, MONDO:0009251, OMIM 229700.

Submission:

Labcorp Genetics (formerly Invitae), Labcorp
Classification: Pathogenic for Fructose-biphosphatase deficiency. Last evaluated: 2023-08-31. Review status: criteria provided, single submitter. Criteria: Invitae Variant Classification Sherloc (09022015). Collection method: clinical testing. Allele origin: germline.
Comment: This variant is not present in population databases (gnomAD no frequency). This sequence change creates a premature translational stop signal (p.Glu109*) in the FBP1 gene. It is expected to result in an absent or disrupted protein product. Loss-of-function variants in FBP1 are known to be pathogenic (PMID: 9382095, 19259699, 27101822). This variant has not been reported in the literature in individuals affected with FBP1-related conditions. For these reasons, this variant has been classified as Pathogenic.

Literature cited by the submitters: PubMed 9382095; PubMed 19259699; PubMed 27101822.

NM_000507.4(FBP1):c.325G>T (p.Glu109Ter)

Gene: FBP1 (fructose-bisphosphatase 1; minus strand). Cytogenetic location: 9q22.32.
Variant type: single nucleotide variant.
Coding change: c.325G>T on transcript NM_000507.4 (MANE Select); coding-DNA position 325, G replaced by T.
Protein change: p.Glu109Ter; replaces glutamic acid 109 with a stop codon.
Molecular consequence: nonsense.
Genome position (GRCh38, 1-based): chr9:94,620,337, C>A on the plus strand (G>T on the coding strand, the complement: FBP1 is on the minus strand). VCF-style: chr9-94620337-C-A. GRCh37 (hg19) VCF-style: chr9-97382619-C-A.
Other names: c.325G>T, p.Glu109Ter (NM_001127628.2); short protein forms E109*.
Identifiers: ClinVar variation 2866196 (VCV002866196.3), dbSNP rs1344235154, ClinGen allele CA374108482.